The following is an entry in ClinVar:

NM_025114.4(CEP290):c.5677G>A (p.Glu1893Lys)

Gene: CEP290 (centrosomal protein 290; minus strand). Cytogenetic location: 12q21.32.
Variant type: single nucleotide variant.
Coding change: c.5677G>A on transcript NM_025114.4 (MANE Select); coding-DNA position 5677, G replaced by A.
Protein change: p.Glu1893Lys; replaces glutamic acid 1893 with lysine.
Molecular consequence: missense variant.
Genome position (GRCh38, 1-based): chr12:88,077,254, C>T on the plus strand (G>A on the coding strand, the complement: CEP290 is on the minus strand). VCF-style: chr12-88077254-C-T. GRCh37 (hg19) VCF-style: chr12-88471031-C-T.
Other names: short protein forms E1893K.
Identifiers: ClinVar variation 3061581 (VCV003061581.3), dbSNP rs1296048545, ClinGen allele CA385987395.

ClinVar aggregate classification (germline): Uncertain significance. Review status: criteria provided, single submitter (1 of 4 stars). 2 submissions from 2 submitters: Uncertain significance (1). 1 of the submissions does not count toward it. Last evaluated 2025-04-10.

Conditions:
Inborn genetic diseases. Identifiers: MedGen C0950123, MeSH D030342.
CEP290-related disorder. Also called: CEP290-related condition; CEP290-related disorders. Identifiers: MedGen CN239314.

Allele frequency attached by ClinVar (database versions not stated): gnomAD exomes below 0.00001.
gnomAD v4.1: 1 of 1,605,594 alleles (0.000062%); highest among the groups gnomAD compares: Admixed American, 0.0017%; no homozygotes.

Submissions (2):

Ambry Genetics
Classification: Uncertain significance for Inborn genetic diseases. Last evaluated: 2025-04-10. Review status: criteria provided, single submitter. Criteria: Ambry Variant Classification Scheme 2023. Collection method: clinical testing. Allele origin: germline.

PreventionGenetics, part of Exact Sciences
Classification: Uncertain significance for CEP290-related condition. Last evaluated: 2024-01-08. Review status: no assertion criteria provided. Collection method: clinical testing. Allele origin: germline. Not counted in ClinVar's aggregate classification.
Comment: The CEP290 c.5677G>A variant is predicted to result in the amino acid substitution p.Glu1893Lys. To our knowledge, this variant has not been reported in the literature. This variant is reported in 0.0030% of alleles in individuals of Latino descent in gnomAD. At this time, the clinical significance of this variant is uncertain due to the absence of conclusive functional and genetic evidence.